The following is an entry in ClinVar:

ClinVar aggregate classification (germline): Uncertain significance (1 of 4 stars; one submission).

Submission:

GeneDx
Classification: Uncertain significance. Last evaluated: 2023-06-23. Review status: criteria provided, single submitter. Criteria: GeneDx Variant Classification Process June 2021. Collection method: clinical testing. Allele origin: germline. Affected: yes.
Comment: Not observed at significant frequency in large population cohorts (gnomAD); Frameshift variant predicted to result in protein truncation or nonsense mediated decay in a gene or region of a gene for which loss of function is not a well-established mechanism of disease; Has not been previously published as pathogenic or benign to our knowledge

NM_021072.4(HCN1):c.359del (p.Val120fs)

Gene: HCN1 (hyperpolarization activated cyclic nucleotide gated potassium channel 1; minus strand). Cytogenetic location: 5p12.
Variant type: Deletion.
Coding change: c.359del on transcript NM_021072.4 (MANE Select); coding-DNA position 359, one base deleted (T; older notation c.359delT).
Protein change: p.Val120fs; shifts the reading frame from valine 120.
Molecular consequence: frameshift variant.
Genome position (GRCh38, 1-based): chr5:45,695,735, A deleted on the plus strand (T on the coding strand, the reverse complement: HCN1 is on the minus strand). VCF-style (leftmost placement, unchanged base first): chr5-45695734-CA-C. GRCh37 (hg19) VCF-style: chr5-45695836-CA-C.
Other names: short protein forms V120fs.
Identifiers: ClinVar variation 3360207 (VCV003360207.1).